The following is an entry in ClinVar:

NM_001371928.1(AHDC1):c.3579G>A (p.Glu1193=)

Gene: AHDC1 (AT-hook DNA binding motif containing 1; minus strand). Cytogenetic location: 1p36.11.
Variant type: single nucleotide variant.
Coding change: c.3579G>A on transcript NM_001371928.1 (MANE Select); coding-DNA position 3579, G replaced by A.
Protein change: p.Glu1193=; no amino-acid change (glutamic acid 1193 retained).
Molecular consequence: synonymous variant.
Genome position (GRCh38, 1-based): chr1:27,548,537, C>T on the plus strand (G>A on the coding strand, the complement: AHDC1 is on the minus strand). VCF-style: chr1-27548537-C-T. GRCh37 (hg19) VCF-style: chr1-27875048-C-T.
Other names: c.3579G>A, p.Glu1193= (NM_001029882.3).
Identifiers: ClinVar variation 721948 (VCV000721948.8), dbSNP rs375526116, ClinGen allele CA715536.

ClinVar aggregate classification (germline): Likely benign. Review status: criteria provided, multiple submitters, no conflicts (2 of 4 stars). 2 submissions from 2 submitters: Likely benign (2). Last evaluated 2026-05-31.

Conditions:
AHDC1-related disorder. Also called: AHDC1-related condition.

Allele frequency attached by ClinVar (database versions not stated): ExAC 0.00001; gnomAD 0.00001; gnomAD exomes 0.00002 and 0.00005; TOPMed 0.00005; ESP Exome Variant Server 0.00008.
gnomAD v4.1: 33 of 1,613,594 alleles (0.002%); highest among the groups gnomAD compares: Admixed American, 0.032%; no homozygotes.

Submissions (2):

PreventionGenetics, part of Exact Sciences
Classification: Likely benign for AHDC1-related condition. Last evaluated: 2026-05-31. Review status: criteria provided, single submitter. Criteria: ACMG Guidelines, 2015. Collection method: clinical testing. Allele origin: germline.
Comment: This variant is classified as likely benign based on ACMG/AMP sequence variant interpretation guidelines (Richards et al. 2015 PMID: 25741868, with internal and published modifications).

Labcorp Genetics (formerly Invitae), Labcorp
Classification: Likely benign. Last evaluated: 2026-01-26. Review status: criteria provided, single submitter. Criteria: Invitae Variant Classification Sherloc (09022015). Collection method: clinical testing. Allele origin: germline.